The following is an entry in ClinVar:

NM_000059.4(BRCA2):c.9527C>A (p.Ala3176Glu)

Gene: BRCA2 (BRCA2 DNA repair associated; plus strand). Cytogenetic location: 13q13.1.
Variant type: single nucleotide variant.
Coding change: c.9527C>A on transcript NM_000059.4 (MANE Select); coding-DNA position 9527, C replaced by A.
Protein change: p.Ala3176Glu; replaces alanine 3176 with glutamic acid.
Molecular consequence: missense variant.
Genome position (GRCh38, 1-based): chr13:32,396,923, C>A. VCF-style: chr13-32396923-C-A. GRCh37 (hg19) VCF-style: chr13-32971060-C-A.
Other names: short protein forms A3176E.
Identifiers: ClinVar variation 999318 (VCV000999318.9), dbSNP rs2073040254, ClinGen allele CA387763019.
Genomic context (GRCh38, chr13:32,396,923, plus strand): 5'-AATTTATAAAGCAGCTTTTCCACTTATTTTCTTAGAATATTGACATACTTTGCAATGAAG[C>A]AGAAAACAAGCTTATGCATATACTGCATGCAAATGATCCCAAGTGGTCCACCCCAACTAA-3'
Protein context (NP_000050.3, residues 3166-3186): VENIDILCNE[Ala3176Glu]ENKLMHILHA

ClinVar aggregate classification (germline): Uncertain significance (1 of 4 stars; one submission).

Conditions:
Hereditary breast ovarian cancer syndrome. Also called: Hereditary breast and ovarian cancer syndrome; Hereditary breast and/or ovarian cancer syndrome; Hereditary breast and ovarian cancer syndrome (HBOC); Breast and ovarian cancer; BRCA1- and BRCA2-Associated Hereditary Breast and Ovarian Cancer; Hereditary breast and ovarian cancer. Identifiers: Orphanet 145, MedGen C0677776, MeSH D061325, MONDO:0003582. Disease mechanism: loss of function.

Submission:

Labcorp Genetics (formerly Invitae), Labcorp
Classification: Uncertain significance for Hereditary breast ovarian cancer syndrome. Last evaluated: 2022-08-19. Review status: criteria provided, single submitter. Criteria: Invitae Variant Classification Sherloc (09022015). Collection method: clinical testing. Allele origin: germline.
Comment: In summary, the available evidence is currently insufficient to determine the role of this variant in disease. Therefore, it has been classified as a Variant of Uncertain Significance. Advanced modeling of protein sequence and biophysical properties (such as structural, functional, and spatial information, amino acid conservation, physicochemical variation, residue mobility, and thermodynamic stability) performed at Invitae indicates that this missense variant is not expected to disrupt BRCA2 protein function. ClinVar contains an entry for this variant (Variation ID: 999318). This variant has not been reported in the literature in individuals affected with BRCA2-related conditions. This variant is not present in population databases (gnomAD no frequency). This sequence change replaces alanine, which is neutral and non-polar, with glutamic acid, which is acidic and polar, at codon 3176 of the BRCA2 protein (p.Ala3176Glu).